The following is an entry in ClinVar:

NM_001281740.3(FHOD3):c.957+3A>G

Gene: FHOD3 (formin homology 2 domain containing 3; plus strand). Cytogenetic location: 18q12.2.
Variant type: single nucleotide variant.
Coding change: c.957+3A>G on transcript NM_001281740.3 (MANE Select); 3 bases into the intron after coding-DNA position 957, A replaced by G.
Molecular consequence: intron variant.
Genome position (GRCh38, 1-based): chr18:36,612,098, A>G. VCF-style: chr18-36612098-A-G. GRCh37 (hg19) VCF-style: chr18-34192061-A-G.
Other names: c.957+3A>G (NM_025135.5, NM_001281739.3).
Identifiers: ClinVar variation 4820516 (VCV004820516.1), dbSNP rs1201376334.

ClinVar aggregate classification (germline): Uncertain significance (1 of 4 stars; one submission).

Conditions:
Cardiovascular phenotype. Identifiers: MedGen CN230736.

gnomAD v4.1: 8 of 1,612,796 alleles (0.0005%); highest among the groups gnomAD compares: Admixed American, 0.005%; no homozygotes.

Submission:

Molecular Diagnostic Laboratory for Inherited Cardiovascular Disease, Montreal Heart Institute
Classification: Uncertain significance for Cardiovascular phenotype. Last evaluated: 2026-03-27. Review status: criteria provided, single submitter. Criteria: ACMG Guidelines, 2015. Collection method: clinical testing. Allele origin: germline. Affected: yes.
Comment: PVS1_mod, PM2